The following is an entry in ClinVar:

ClinVar aggregate classification (germline): Uncertain significance. Review status: criteria provided, multiple submitters, no conflicts (2 of 4 stars). 2 submissions from 2 submitters: Uncertain significance (2). Last evaluated 2026-06-20.

Conditions:
Ataxia-pancytopenia syndrome (ATXPC). Also called: SAMD9L Ataxia-Pancytopenia Syndrome; SAMD9L-Related Syndrome. Identifiers: Orphanet 2585, MedGen C1327919, MONDO:0008038, OMIM 159550.
Inborn genetic diseases. Identifiers: MedGen C0950123, MeSH D030342.

Allele frequency attached by ClinVar (database versions not stated): gnomAD 0.00001.
gnomAD v4.1: 1 of 1,613,936 alleles (0.000062%); highest among the groups gnomAD compares: African/African-American, 0.0013%; no homozygotes.

Submissions (2):

Ambry Genetics
Classification: Uncertain significance for Inborn genetic diseases. Last evaluated: 2026-06-20. Review status: criteria provided, single submitter. Criteria: Ambry Variant Classification Scheme 2023. Collection method: clinical testing. Allele origin: germline.
Comment: The p.V250F variant (also known as c.748G>T), located in coding exon 1 of the SAMD9L gene, results from a G to T substitution at nucleotide position 748. The valine at codon 250 is replaced by phenylalanine, an amino acid with highly similar properties. This amino acid position is conserved. In addition, this alteration is predicted to be tolerated by in silico analysis. Based on the available evidence, the clinical significance of this variant remains unclear.

Johns Hopkins Genomics, Johns Hopkins University
Classification: Uncertain significance for Ataxia-pancytopenia syndrome. Last evaluated: 2020-04-06. Review status: criteria provided, single submitter. Criteria: ACMG Guidelines, 2015. Collection method: clinical testing. Allele origin: germline.
Comment: This SAMD9L variant is absent from a large population dataset and has not been reported in the literature, to our knowledge. Two of three bioinformatic tools queried predict that the substitution would be possibly damaging, but these algorithms have low specificity, especially for predicting gain of function variants. Additionally, bioinformatic analysis predicts that this variant would not affect normal exon 5 splicing, although this has not been confirmed experimentally to our knowledge. Due to lack of segregation and functional data, we consider the clinical significance of c.748G>T to be uncertain at this time.

NM_152703.5(SAMD9L):c.748G>T (p.Val250Phe)

Gene: SAMD9L (sterile alpha motif domain containing 9 like; minus strand). Cytogenetic location: 7q21.2.
Variant type: single nucleotide variant.
Coding change: c.748G>T on transcript NM_152703.5 (MANE Select); coding-DNA position 748, G replaced by T.
Protein change: p.Val250Phe; replaces valine 250 with phenylalanine.
Molecular consequence: missense variant.
Genome position (GRCh38, 1-based): chr7:93,135,224, C>A on the plus strand (G>T on the coding strand, the complement: SAMD9L is on the minus strand). VCF-style: chr7-93135224-C-A. GRCh37 (hg19) VCF-style: chr7-92764537-C-A.
Other names: c.748G>T, p.Val250Phe (NM_001303496.3, NM_001303497.3, NM_001303498.3 and 5 more transcripts); c.748G>T (NM_152703.2); short protein forms V250F.
Identifiers: ClinVar variation 973884 (VCV000973884.2), dbSNP rs1451330701, ClinGen allele CA368201135.
Genomic context (GRCh38, chr7:93,135,224, plus strand): 5'-TTTTGATCATTACATTGAAGTGGTCAATGAAGGCAGCCTTACTGGTGATTTTCACACCAA[C>A]AATTTCTCCATGGGGTTTGTCCTTGACTCCAAAATGGATGGTGCCATTGGTGCGTGAATT-3'
Protein context (NP_689916.2, residues 240-260): GVKDKPHGEI[Val250Phe]GVKITSKAAF